The following is an entry in ClinVar:

NM_001164508.2(NEB):c.3691del (p.His1231fs)

Gene: NEB (nebulin; minus strand). Cytogenetic location: 2q23.3.
Variant type: Deletion.
Coding change: c.3691del on transcript NM_001164508.2 (MANE Select); coding-DNA position 3691, one base deleted (C; older notation c.3691delC).
Protein change: p.His1231fs; shifts the reading frame from histidine 1231.
Molecular consequence: frameshift variant.
Genome position (GRCh38, 1-based): chr2:151,677,648, G deleted on the plus strand (C on the coding strand, the reverse complement: NEB is on the minus strand). VCF-style (leftmost placement, unchanged base first): chr2-151677647-TG-T. GRCh37 (hg19) VCF-style: chr2-152534161-TG-T.
Other names: NM_001164508.2(NEB):c.3691del; p.His1231fs; c.3691del, p.His1231fs (NM_001164507.2, NM_001271208.2, NM_004543.5); c.3691delC, p.His1231Ilefs (NM_001271208.1); c.3691del (NM_001271208.1); short protein forms H1231fs.
Identifiers: ClinVar variation 1945483 (VCV001945483.6), dbSNP rs1474933873, ClinGen allele CA537030771.

ClinVar aggregate classification (germline): Pathogenic/Likely pathogenic. Review status: criteria provided, multiple submitters, no conflicts (2 of 4 stars). 3 submissions from 3 submitters: Pathogenic (1); Likely pathogenic (2). Last evaluated 2025-03-20.

Conditions:
Nemaline myopathy 2 (NEM2). Also called: Nemaline myopathy 2, autosomal recessive. Identifiers: MedGen C1850569, MONDO:0009725, OMIM 256030.
Arthrogryposis multiplex congenita 6. Identifiers: MedGen C5543431, MONDO:0030281, OMIM 619334.
Nemaline myopathy. Also called: Myopathies, Nemaline. Identifiers: Orphanet 607, MedGen C0206157, MONDO:0018958.

Allele frequency attached by ClinVar (database versions not stated): gnomAD exomes below 0.00001; gnomAD 0.00001; TOPMed 0.00001.

Submissions (3):

Broad Center for Mendelian Genomics, Broad Institute of MIT and Harvard
Classification: Likely pathogenic for Nemaline myopathy. Last evaluated: 2025-03-20. Review status: criteria provided, single submitter. Criteria: ACMG Guidelines, 2015. Collection method: curation. Allele origin: germline. Inheritance: Autosomal recessive inheritance.
Comment: The p.His1231IlefsTer38 variant in NEB has not been previously reported in the literature in individuals with nemaline myopathy, but has been identified in 0.003% (2/60002) of Latino/Admixed American chromosomes by the Genome Aggregation Database (gnomAD; dbSNP ID: rs1474933873). Although this variant has been seen in the general population in a heterozygous state, its frequency is low enough to be consistent with a recessive carrier frequency. This variant has also been reported in ClinVar (Variation ID: 1945483) and has been interpreted as pathogenic by Invitae. This variant is predicted to cause a frameshift, which alters the protein‚Äôs amino acid sequence beginning at position 1231 and leads to a premature termination codon 38 amino acids downstream. This alteration is then predicted to lead to a truncated or absent protein. Loss of function of the NEB gene is an established disease mechanism in autosomal recessive nemaline myopathy. In summary, although additional studies are required to fully establish its clinical significance, this variant is likely pathogenic for autosomal recessive nemaline myopathy. ACMG/AMP Criteria applied: PVS1, PM2_supporting (Richards 2015).

Labcorp Genetics (formerly Invitae), Labcorp
Classification: Pathogenic for Nemaline myopathy 2. Last evaluated: 2023-12-22. Review status: criteria provided, single submitter. Criteria: Invitae Variant Classification Sherloc (09022015). Collection method: clinical testing. Allele origin: germline.
Comment: This sequence change creates a premature translational stop signal (p.His1231Ilefs*38) in the NEB gene. It is expected to result in an absent or disrupted protein product. Loss-of-function variants in NEB are known to be pathogenic (PMID: 25205138). This variant is present in population databases (no rsID available, gnomAD 0.003%). This variant has not been reported in the literature in individuals affected with NEB-related conditions. ClinVar contains an entry for this variant (Variation ID: 1945483). For these reasons, this variant has been classified as Pathogenic.

Baylor Genetics
Classification: Likely pathogenic for Arthrogryposis multiplex congenita 6. Last evaluated: 2023-08-29. Review status: criteria provided, single submitter. Criteria: ACMG Guidelines, 2015. Collection method: clinical testing. Allele origin: unknown.

Literature cited by the submitters: PubMed 25205138 (cited by Labcorp Genetics (formerly Invitae), Labcorp).